The following is an entry in ClinVar:

NM_001388492.1(HTT):c.4463+1G>A

Gene: HTT (huntingtin; plus strand). Cytogenetic location: 4p16.3.
Variant type: single nucleotide variant.
Coding change: c.4463+1G>A on transcript NM_001388492.1 (MANE Select); the canonical splice donor site of the intron after coding-DNA position 4463, G replaced by A.
Molecular consequence: splice donor variant.
Genome position (GRCh38, 1-based): chr4:3,177,388, G>A. VCF-style: chr4-3177388-G-A. GRCh37 (hg19) VCF-style: chr4-3179115-G-A.
Other names: IVS34DS, G-A, +1; c.4463+1G>A (NM_002111.8).
Identifiers: ClinVar variation 225541 (VCV000225541.4), dbSNP rs1060505027, ClinGen allele CA16616834.

ClinVar aggregate classification (germline): Uncertain significance. Review status: criteria provided, single submitter (1 of 4 stars). 2 submissions from 2 submitters: Uncertain significance (1). 1 of the submissions does not count toward it. Last evaluated 2016-04-18.

Conditions:
Lopes-Maciel-Rodan syndrome (LOMARS). Identifiers: MedGen C4479491, MONDO:0054573, OMIM 617435.

Allele frequency attached by ClinVar (database versions not stated): gnomAD exomes below 0.00001.
gnomAD v4.1: 1 of 1,572,316 alleles (0.000064%); highest among the groups gnomAD compares: Non-Finnish European, 0.000086%; no homozygotes.

Submissions (2):

GeneDx
Classification: Uncertain significance. Last evaluated: 2016-04-18. Review status: criteria provided, single submitter. Criteria: GeneDx Variant Classification (06012015). Collection method: clinical testing. Allele origin: germline. Affected: yes.
Comment: It is predicted to cause abnormal gene splicing, either leading to an abnormal message that is subject to nonsense-mediated mRNA decay, or to an abnormal protein product if the message is used for protein translation. No splice site mutations in the HTT gene have been previously reported to our knowledge in association with Huntington disease. The c.4463+1 G>A variant was not observed in approximately 6,000 individuals of European and African American ancestry by the NHLBI Exome Sequencing Project, indicating it is not a common benign variant in these populations. Data from ethnically matched controls individuals were not available. We interpret c.4463+1 G>A as a variant of unknown significance.

OMIM
Classification: Pathogenic for LOPES-MACIEL-RODAN SYNDROME. Last evaluated: 2024-09-09. Review status: no assertion criteria provided. Collection method: literature only. Allele origin: germline. Not counted in ClinVar's aggregate classification.

Literature cited by the submitters: PubMed 27329733 (cited by OMIM); PubMed 33432339 (cited by OMIM).